The following is an entry in ClinVar:

ClinVar aggregate classification (germline): Likely pathogenic (1 of 4 stars; one submission).

Conditions:
Multiple endocrine neoplasia, type 1 (MEN1). Also called: MEN I; WERMER SYNDROME; Endocrine adenomatosis multiple; MEN 1; MEA I. Identifiers: Orphanet 652, MedGen C0025267, MeSH D018761, MONDO:0007540, OMIM 131100.

Submission:

Labcorp Genetics (formerly Invitae), Labcorp
Classification: Likely pathogenic for Multiple endocrine neoplasia, type 1. Last evaluated: 2025-05-25. Review status: criteria provided, single submitter. Criteria: Invitae Variant Classification Sherloc (09022015). Collection method: clinical testing. Allele origin: germline.
Comment: This sequence change replaces leucine, which is neutral and non-polar, with arginine, which is basic and polar, at codon 223 of the MEN1 protein (p.Leu223Arg). This variant is not present in population databases (gnomAD no frequency). This variant has not been reported in the literature in individuals affected with MEN1-related conditions. ClinVar contains an entry for this variant (Variation ID: 3634203). Invitae Evidence Modeling of protein sequence and biophysical properties (such as structural, functional, and spatial information, amino acid conservation, physicochemical variation, residue mobility, and thermodynamic stability) indicates that this missense variant is expected to disrupt MEN1 protein function with a positive predictive value of 95%. This variant disrupts the p.Leu223 amino acid residue in MEN1. Other variant(s) that disrupt this residue have been determined to be pathogenic (PMID: 9683585, 10849016, 12112656; internal data). This suggests that this residue is clinically significant, and that variants that disrupt this residue are likely to be disease-causing. In summary, the currently available evidence indicates that the variant is pathogenic, but additional data are needed to prove that conclusively. Therefore, this variant has been classified as Likely Pathogenic.

Literature cited by the submitters: PubMed 9683585; PubMed 10849016; PubMed 12112656.

NM_001370259.2(MEN1):c.668T>G (p.Leu223Arg)

Gene: MEN1 (menin 1; minus strand). Cytogenetic location: 11q13.1.
Variant type: single nucleotide variant.
Coding change: c.668T>G on transcript NM_001370259.2 (MANE Select); coding-DNA position 668, T replaced by G.
Protein change: p.Leu223Arg; replaces leucine 223 with arginine.
Molecular consequence: missense variant. On other transcripts: non-coding transcript variant (4).
Genome position (GRCh38, 1-based): chr11:64,807,667, A>C on the plus strand (T>G on the coding strand, the complement: MEN1 is on the minus strand). VCF-style: chr11-64807667-A-C. GRCh37 (hg19) VCF-style: chr11-64575139-A-C.
Other names: c.683T>G, p.Leu228Arg (NM_130801.3, NM_130802.3, NM_130803.3 and 5 more transcripts); c.668T>G, p.Leu223Arg (NM_001407142.1, NM_001407143.1, NM_001407144.1 and 7 more transcripts); c.563T>G, p.Leu188Arg (NM_001407148.1, NM_001407149.1, NM_001407151.1 and 2 more transcripts); short protein forms L223R, L228R, L188R.
Identifiers: ClinVar variation 3634203 (VCV003634203.2).